The following is an entry in ClinVar:

ClinVar aggregate classification (germline): Likely benign (0 of 4 stars; one submission).

Conditions:
HECTD4-related disorder. Also called: HECTD4-related condition.

Submission:

PreventionGenetics, part of Exact Sciences
Classification: Likely benign for HECTD4-related condition. Last evaluated: 2023-01-05. Review status: no assertion criteria provided. Collection method: clinical testing. Allele origin: germline.
Comment: This variant is classified as likely benign based on ACMG/AMP sequence variant interpretation guidelines (Richards et al. 2015 PMID: 25741868, with internal and published modifications).

NM_001388303.1(HECTD4):c.3448-17dup

Gene: HECTD4 (HECT domain E3 ubiquitin protein ligase 4; minus strand). Cytogenetic location: 12q24.13.
Variant type: Duplication.
Coding change: c.3448-17dup on transcript NM_001388303.1 (MANE Select); 17 bases into the intron before coding-DNA position 3448, one base duplicated (C; older notation c.3448-17dupC).
Molecular consequence: intron variant. On other transcripts: frameshift variant (1).
Genome position (GRCh38, 1-based): chr12:112,252,545, G duplicated on the plus strand (C on the coding strand, the reverse complement: HECTD4 is on the minus strand); the first of 7 consecutive G bases (chr12:112,252,545-112,252,551); duplicating any one gives the same sequence. VCF-style (leftmost placement, unchanged base first): chr12-112252544-A-AG. GRCh37 (hg19) VCF-style: chr12-112690348-A-AG.
Other names: c.3461dup, p.Ser1155fs (NM_001109662.4); short protein forms S1155fs.
Identifiers: ClinVar variation 3050654 (VCV003050654.2), dbSNP rs528866197, ClinGen allele CA6797696.